The following is an entry in ClinVar:

ClinVar aggregate classification (germline): Uncertain significance (1 of 4 stars; one submission).

Submission:

Labcorp Genetics (formerly Invitae), Labcorp
Classification: Uncertain significance. Last evaluated: 2021-09-22. Review status: criteria provided, single submitter. Criteria: Invitae Variant Classification Sherloc (09022015). Collection method: clinical testing. Allele origin: germline.
Comment: In summary, the available evidence is currently insufficient to determine the role of this variant in disease. Therefore, it has been classified as a Variant of Uncertain Significance. Experimental studies and prediction algorithms are not available or were not evaluated, and the functional significance of this variant is currently unknown. This variant has not been reported in the literature in individuals affected with NDUFS3-related conditions. This variant is a gross deletion of the genomic region encompassing exon(s) 5-7 of the NDUFS3 gene, which includes the termination codon. This deletion extends beyond the assayed region for this gene and therefore may encompass additional genes. While this deletion is not anticipated to lead to nonsense mediated decay, it is expected to alter mRNA translation or result in a truncated protein product.

NC_000011.9:g.(?_47603620)_(47606033_?)del

Gene: NDUFS3 (NADH:ubiquinone oxidoreductase core subunit S3; plus strand). Cytogenetic location: 11p11.2.
Variant type: Deletion.
Identifiers: ClinVar variation 1432987 (VCV001432987.4).